The following is an entry in ClinVar:

ClinVar aggregate classification (germline): Uncertain significance. Review status: criteria provided, multiple submitters, no conflicts (2 of 4 stars). 2 submissions from 2 submitters: Uncertain significance (2). Last evaluated 2025-09-25.

Conditions:
Brugada syndrome. Also called: Sudden Unexplained Death Syndrome; Sudden Unexplained Nocturnal Death Syndrome (SUNDS); Sudden unexpected nocturnal death syndrome; Sudden unexplained nocturnal death syndrome. Identifiers: Orphanet 130, MedGen C1142166, MONDO:0015263.
Cardiovascular phenotype. Identifiers: MedGen CN230736.

Allele frequency attached by ClinVar (database versions not stated): gnomAD exomes below 0.00001; gnomAD 0.00001; ExAC 0.00002.
gnomAD v4.1: 8 of 1,614,086 alleles (0.0005%); highest among the groups gnomAD compares: Admixed American, 0.005%; no homozygotes.

Submissions (2):

Labcorp Genetics (formerly Invitae), Labcorp
Classification: Uncertain significance for Brugada syndrome. Last evaluated: 2025-09-25. Review status: criteria provided, single submitter. Criteria: Invitae Variant Classification Sherloc (09022015). Collection method: clinical testing. Allele origin: germline.
Comment: This sequence change replaces arginine, which is basic and polar, with lysine, which is basic and polar, at codon 1935 of the SCN10A protein (p.Arg1935Lys). This variant is present in population databases (rs764945982, gnomAD 0.006%). This variant has not been reported in the literature in individuals affected with SCN10A-related conditions. ClinVar contains an entry for this variant (Variation ID: 1749801). Invitae Evidence Modeling of protein sequence and biophysical properties (such as structural, functional, and spatial information, amino acid conservation, physicochemical variation, residue mobility, and thermodynamic stability) indicates that this missense variant is not expected to disrupt SCN10A protein function with a negative predictive value of 95%. In summary, the available evidence is currently insufficient to determine the role of this variant in disease. Therefore, it has been classified as a Variant of Uncertain Significance.

Ambry Genetics
Classification: Uncertain significance for Cardiovascular phenotype. Last evaluated: 2024-10-07. Review status: criteria provided, single submitter. Criteria: Ambry Variant Classification Scheme 2023. Collection method: clinical testing. Allele origin: germline.
Comment: The p.R1935K variant (also known as c.5804G>A), located in coding exon 27 of the SCN10A gene, results from a G to A substitution at nucleotide position 5804. The arginine at codon 1935 is replaced by lysine, an amino acid with highly similar properties. This amino acid position is poorly conserved in available vertebrate species. In addition, this alteration is predicted to be tolerated by in silico analysis. Since supporting evidence is limited at this time, the clinical significance of this alteration remains unclear.

NM_006514.4(SCN10A):c.5804G>A (p.Arg1935Lys)

Gene: SCN10A (sodium voltage-gated channel alpha subunit 10; minus strand). Cytogenetic location: 3p22.2.
Variant type: single nucleotide variant.
Coding change: c.5804G>A on transcript NM_006514.4 (MANE Select); coding-DNA position 5804, G replaced by A.
Protein change: p.Arg1935Lys; replaces arginine 1935 with lysine.
Molecular consequence: missense variant.
Genome position (GRCh38, 1-based): chr3:38,697,416, C>T on the plus strand (G>A on the coding strand, the complement: SCN10A is on the minus strand). VCF-style: chr3-38697416-C-T. GRCh37 (hg19) VCF-style: chr3-38738907-C-T.
Other names: c.5801G>A, p.Arg1934Lys (NM_001293306.2); c.5510G>A, p.Arg1837Lys (NM_001293307.2); short protein forms R1934K, R1935K, R1837K.
Identifiers: ClinVar variation 1749801 (VCV001749801.6), dbSNP rs764945982, ClinGen allele CA2319591.